The following is an entry in ClinVar:

NM_006031.6(PCNT):c.3713T>C (p.Met1238Thr)

Gene: PCNT (pericentrin; plus strand). Cytogenetic location: 21q22.3.
Variant type: single nucleotide variant.
Coding change: c.3713T>C on transcript NM_006031.6 (MANE Select); coding-DNA position 3713, T replaced by C.
Protein change: p.Met1238Thr; replaces methionine 1238 with threonine.
Molecular consequence: missense variant.
Genome position (GRCh38, 1-based): chr21:46,389,304, T>C. VCF-style: chr21-46389304-T-C. GRCh37 (hg19) VCF-style: chr21-47809219-T-C.
Other names: c.3359T>C, p.Met1120Thr (NM_001315529.2); short protein forms M1238T, M1120T.
Identifiers: ClinVar variation 4983421 (VCV004983421.1).
Genomic context (GRCh38, chr21:46,389,304, plus strand): 5'-TGGACAGAACTTTGTCTGAATGTGCAGAGATGTCTTCCGTGGCTGAAATTAGCAGCCACA[T>C]GCGTGAAAGCTTTCTCATGAGCCCAGAAAGTGTGCGGGAGTGTGAGCAGCCCATCCGGAG-3'
Protein context (NP_006022.3, residues 1228-1248): MSSVAEISSH[Met1238Thr]RESFLMSPES

ClinVar aggregate classification (germline): Uncertain significance (1 of 4 stars; one submission).

Conditions:
PCNT-related disorder. Also called: PCNT-related condition.

Submission:

PreventionGenetics, part of Exact Sciences
Classification: Uncertain significance for PCNT-related condition. Last evaluated: 2026-03-31. Review status: criteria provided, single submitter. Criteria: ACMG Guidelines, 2015. Collection method: clinical testing. Allele origin: germline.
Comment: The PCNT c.3713T>C variant is predicted to result in the amino acid substitution p.Met1238Thr. To our knowledge, this variant has not been reported in the literature. This variant is reported in 0.00088% of alleles in individuals of European (Non-Finnish) descent in gnomAD. At this time, the clinical significance of this variant is uncertain due to the absence of conclusive functional and genetic evidence.